The following is an entry in ClinVar:

ClinVar aggregate classification (germline): Uncertain significance (1 of 4 stars; one submission).

Conditions:
Brown-Vialetto-van Laere syndrome 2. Also called: SPINOCEREBELLAR ATAXIA WITH BLINDNESS AND DEAFNESS 2; Riboflavin transporter deficiency type 2. Identifiers: Orphanet 572543, Orphanet 97229, MedGen C3553538, MONDO:0013867, OMIM 614707.

Submission:

Labcorp Genetics (formerly Invitae), Labcorp
Classification: Uncertain significance for Brown-Vialetto-Van Laere syndrome 2. Last evaluated: 2018-07-20. Review status: criteria provided, single submitter. Criteria: Invitae Variant Classification Sherloc (09022015). Collection method: clinical testing. Allele origin: germline.
Comment: This variant results in a copy number gain of the genomic region encompassing the full coding sequence of the SLC52A2 gene. The boundaries of this event are unknown as they extend beyond the assayed region for this gene and therefore may encompass additional genes. As the precise location of this event is unknown, it may be in tandem or it may be located elsewhere in the genome. This variant has not been reported in the literature in individuals with SLC52A2-related disease. Experimental studies are not available for this variant, and the functional significance of a copy number gain of this gene is currently unknown. In summary, the available evidence is currently insufficient to determine the role of this variant in disease. Therefore, it has been classified as a Variant of Uncertain Significance.

NC_000008.10:g.(?_144990325)_(145700664_?)dup

Genes: ADCK5 (aarF domain containing kinase 5; plus strand), BOP1 (BOP1 ribosomal biogenesis factor; minus strand), CATSPERQ (catsper channel auxiliary subunit theta; minus strand), CPSF1 (cleavage and polyadenylation specific factor 1; minus strand), CYC1 (cytochrome c1; plus strand) and 25 more. Cytogenetic location: 8q24.3.
Variant type: Duplication.
Identifiers: ClinVar variation 652960 (VCV000652960.1).